The following is an entry in ClinVar:

NM_152384.3(BBS5):c.209-2A>G

Gene: BBS5 (Bardet-Biedl syndrome 5; plus strand). Cytogenetic location: 2q31.1.
Variant type: single nucleotide variant.
Coding change: c.209-2A>G on transcript NM_152384.3 (MANE Select); the canonical splice acceptor site of the intron before coding-DNA position 209, A replaced by G.
Molecular consequence: splice acceptor variant.
Genome position (GRCh38, 1-based): chr2:169,487,804, A>G. VCF-style: chr2-169487804-A-G. GRCh37 (hg19) VCF-style: chr2-170344314-A-G.
Identifiers: ClinVar variation 560430 (VCV000560430.14), dbSNP rs1477098739, ClinGen allele CA349161306.

ClinVar aggregate classification (germline): Likely pathogenic. Review status: criteria provided, multiple submitters, no conflicts (2 of 4 stars). 9 submissions from 8 submitters: Likely pathogenic (4). 5 of the submissions do not count toward it. Last evaluated 2026-04-01.

Conditions:
BBS5-related disorder. Also called: BBS5-related condition.
Primary ciliary dyskinesia. Also called: Ciliary dyskinesia. Identifiers: Orphanet 244, MedGen C0008780, MONDO:0016575, HP:0012265.
Bardet-Biedl syndrome (BBS). Identifiers: Orphanet 110, MedGen C0752166, MONDO:0015229.
Bardet-Biedl syndrome 5 (BBS5). Identifiers: Orphanet 110, MedGen C3892039, MONDO:0014434, OMIM 615983.

Allele frequency attached by ClinVar (database versions not stated): gnomAD 0.00001; gnomAD exomes 0.00001.
gnomAD v4.1: 9 of 1,605,288 alleles (0.00056%); highest among the groups gnomAD compares: Non-Finnish European, 0.00077%; no homozygotes.

Submissions (9):

Department of Human Genetics, Hannover Medical School
Classification: Likely pathogenic for Primary Ciliary Dyskinesia. Last evaluated: 2026-04-01. Review status: criteria provided, single submitter. Criteria: ACMG Guidelines, 2015. Collection method: research. Allele origin: germline. Affected: no.
Comment: Classification performed by HerediClassify using the following criteria:['PM2_supporting: Variant occures does not occur as homozygous in gnomAD.', 'PVS1_splicing_very_strong: Transcript ENST00000295240 undergoes NMD.']

Blueprint Genetics
Classification: Likely pathogenic for BBS5-related disorders. Last evaluated: 2023-05-12. Review status: criteria provided, single submitter. Criteria: ACMG Guidelines, 2015. Collection method: clinical testing. Allele origin: germline. Affected: yes. Observed: 2 variant alleles.

Labcorp Genetics (formerly Invitae), Labcorp
Classification: Likely pathogenic for Bardet-Biedl syndrome. Last evaluated: 2023-04-30. Review status: criteria provided, single submitter. Criteria: Invitae Variant Classification Sherloc (09022015). Collection method: clinical testing. Allele origin: germline.
Comment: In summary, the currently available evidence indicates that the variant is pathogenic, but additional data are needed to prove that conclusively. Therefore, this variant has been classified as Likely Pathogenic. Algorithms developed to predict the effect of sequence changes on RNA splicing suggest that this variant may disrupt the consensus splice site. ClinVar contains an entry for this variant (Variation ID: 560430). This variant has not been reported in the literature in individuals affected with BBS5-related conditions. This variant is present in population databases (no rsID available, gnomAD 0.003%). This sequence change affects an acceptor splice site in intron 3 of the BBS5 gene. It is expected to disrupt RNA splicing. Variants that disrupt the donor or acceptor splice site typically lead to a loss of protein function (PMID: 16199547), and loss-of-function variants in BBS5 are known to be pathogenic (PMID: 15137946, 16877420, 26325687, 27708425, 28041643, 29806606).

Fulgent Genetics
Classification: Likely pathogenic for Bardet-Biedl syndrome 5. Last evaluated: 2021-12-02. Review status: criteria provided, single submitter. Criteria: ACMG Guidelines, 2015. Collection method: clinical testing. Allele origin: unknown.

Joint Genome Diagnostic Labs from Nijmegen and Maastricht, Radboudumc and MUMC+
Classification: Pathogenic for Bardet-Biedl syndrome 5. Last evaluated: 2016-09-01. Review status: no assertion criteria provided. Collection method: clinical testing. Allele origin: inherited, unknown. Affected: yes. Observed: 2 variant alleles. Not counted in ClinVar's aggregate classification.

Clinical Genetics DNA and cytogenetics Diagnostics Lab, Erasmus MC, Erasmus Medical Center
Classification: Likely pathogenic. Review status: no assertion criteria provided. Collection method: clinical testing. Allele origin: germline. Affected: yes. Study: VKGL Data-share Consensus. Not counted in ClinVar's aggregate classification.

Diagnostic Laboratory, Department of Genetics, University Medical Center Groningen
Classification: Likely pathogenic. Review status: no assertion criteria provided. Collection method: clinical testing. Allele origin: germline. Affected: yes. Study: VKGL Data-share Consensus. Not counted in ClinVar's aggregate classification.

Genome Diagnostics Laboratory, University Medical Center Utrecht
Classification: Pathogenic. Review status: no assertion criteria provided. Collection method: clinical testing. Allele origin: germline. Affected: yes. Study: VKGL Data-share Consensus. Not counted in ClinVar's aggregate classification.

Joint Genome Diagnostic Labs from Nijmegen and Maastricht, Radboudumc and MUMC+
Classification: Pathogenic. Review status: no assertion criteria provided. Collection method: clinical testing. Allele origin: germline. Affected: yes. Study: VKGL Data-share Consensus. Not counted in ClinVar's aggregate classification.

Literature cited by the submitters: PubMed 16199547 (cited by Labcorp Genetics (formerly Invitae), Labcorp); PubMed 15137946 (cited by Labcorp Genetics (formerly Invitae), Labcorp); PubMed 16877420 (cited by Labcorp Genetics (formerly Invitae), Labcorp); PubMed 26325687 (cited by Labcorp Genetics (formerly Invitae), Labcorp); PubMed 27708425 (cited by Labcorp Genetics (formerly Invitae), Labcorp); PubMed 28041643 (cited by Labcorp Genetics (formerly Invitae), Labcorp); PubMed 29806606 (cited by Labcorp Genetics (formerly Invitae), Labcorp).